The following is an entry in ClinVar:

ClinVar aggregate classification (germline): Uncertain significance (1 of 4 stars; one submission).

Allele frequency attached by ClinVar (database versions not stated): TOPMed 0.00028; 1000 Genomes Project 30x 0.00031; ESP Exome Variant Server 0.00031; gnomAD 0.00031; gnomAD exomes 0.00033; ExAC 0.00038; 1000 Genomes Project 0.00040.
gnomAD v4.1: 540 of 1,614,168 alleles (0.033%); highest among the groups gnomAD compares: Middle Eastern, 0.28%; 1 homozygote.

Submission:

CeGaT Center for Human Genetics Tuebingen
Classification: Uncertain significance. Last evaluated: 2023-09-01. Review status: criteria provided, single submitter. Criteria: CeGaT Center For Human Genetics Tuebingen Variant Classification Criteria Version 2. Collection method: clinical testing. Allele origin: germline. Affected: yes. Observed: 1 variant allele.
Comment: CEMIP: PM2, BP4

NM_001293298.2(CEMIP):c.911A>G (p.Gln304Arg)

Gene: CEMIP (cell migration inducing hyaluronidase 1; plus strand). Cytogenetic location: 15q25.1.
Variant type: single nucleotide variant.
Coding change: c.911A>G on transcript NM_001293298.2 (MANE Select); coding-DNA position 911, A replaced by G.
Protein change: p.Gln304Arg; replaces glutamine 304 with arginine.
Molecular consequence: missense variant.
Genome position (GRCh38, 1-based): chr15:80,888,743, A>G. VCF-style: chr15-80888743-A-G. GRCh37 (hg19) VCF-style: chr15-81181084-A-G.
Other names: c.911A>G, p.Gln304Arg (NM_001293304.2, NM_018689.3); short protein forms Q304R.
Identifiers: ClinVar variation 2645630 (VCV002645630.24), dbSNP rs146995917, ClinGen allele CA7692783.